The following is an entry in ClinVar:

NM_001365276.2(TNXB):c.8795C>T (p.Ala2932Val)

Gene: TNXB (tenascin XB; minus strand). Cytogenetic location: 6p21.33.
Variant type: single nucleotide variant.
Coding change: c.8795C>T on transcript NM_001365276.2 (MANE Select); coding-DNA position 8795, C replaced by T.
Protein change: p.Ala2932Val; replaces alanine 2932 with valine.
Molecular consequence: missense variant.
Genome position (GRCh38, 1-based): chr6:32,052,990, G>A on the plus strand (C>T on the coding strand, the complement: TNXB is on the minus strand). VCF-style: chr6-32052990-G-A. GRCh37 (hg19) VCF-style: chr6-32020767-G-A.
Other names: c.9536C>T, p.Ala3179Val (NM_001428335.1); c.8789C>T, p.Ala2930Val (NM_019105.8); short protein forms A3179V, A2930V, A2932V.
Identifiers: ClinVar variation 3809337 (VCV003809337.1).

ClinVar aggregate classification (germline): Uncertain significance (1 of 4 stars; one submission).

Conditions:
Cardiovascular phenotype. Identifiers: MedGen CN230736.

Submission:

Ambry Genetics
Classification: Uncertain significance for Cardiovascular phenotype. Last evaluated: 2025-01-19. Review status: criteria provided, single submitter. Criteria: Ambry Variant Classification Scheme 2023. Collection method: clinical testing. Allele origin: germline.
Comment: The p.A2930V variant (also known as c.8789C>T), located in coding exon 25 of the TNXB gene, results from a C to T substitution at nucleotide position 8789. The alanine at codon 2930 is replaced by valine, an amino acid with similar properties. This amino acid position is conserved. In addition, this alteration is predicted to be tolerated by in silico analysis. Based on the available evidence, the clinical significance of this variant remains unclear.